The following is an entry in ClinVar:

NM_001128840.3(CACNA1D):c.1751T>A (p.Val584Asp)

Gene: CACNA1D (calcium voltage-gated channel subunit alpha1 D; plus strand). Cytogenetic location: 3p21.1.
Variant type: single nucleotide variant.
Coding change: c.1751T>A on transcript NM_001128840.3 (MANE Select); coding-DNA position 1751, T replaced by A.
Protein change: p.Val584Asp; replaces valine 584 with aspartic acid.
Molecular consequence: missense variant.
Genome position (GRCh38, 1-based): chr3:53,723,518, T>A. VCF-style: chr3-53723518-T-A. GRCh37 (hg19) VCF-style: chr3-53757545-T-A.
Other names: c.1811T>A, p.Val604Asp (NM_000720.4); c.1751T>A, p.Val584Asp (NM_001128839.3); short protein forms V604D, V584D.
Identifiers: ClinVar variation 4997730 (VCV004997730.1).

ClinVar aggregate classification (germline): Uncertain significance (1 of 4 stars; one submission).

Conditions:
CACNA1D-related disorder.

Submission:

PreventionGenetics, part of Exact Sciences
Classification: Uncertain significance for CACNA1D-related condition. Last evaluated: 2024-12-12. Review status: criteria provided, single submitter. Criteria: ACMG Guidelines, 2015. Collection method: clinical testing. Allele origin: germline.
Comment: The CACNA1D c.1811T>A variant is predicted to result in the amino acid substitution p.Val604Asp. To our knowledge, this variant has not been reported in the literature or in a large population database (gnomAD), indicating this variant is rare. At this time, the clinical significance of this variant is uncertain due to the absence of conclusive functional and genetic evidence.